The following is an entry in ClinVar:

ClinVar aggregate classification (germline): Likely benign (1 of 4 stars; one submission).

Allele frequency attached by ClinVar (database versions not stated): 1000 Genomes Project 0.00060; ExAC 0.00084; 1000 Genomes Project 30x 0.00125; TOPMed 0.00163; gnomAD 0.00177; gnomAD exomes 0.00306.
gnomAD v4.1: 4,434 of 1,535,992 alleles (0.29%); highest among the groups gnomAD compares: Non-Finnish European, 0.37%; 14 homozygotes.

Submission:

CeGaT Center for Human Genetics Tuebingen
Classification: Likely benign. Last evaluated: 2023-01-01. Review status: criteria provided, single submitter. Criteria: CeGaT Center For Human Genetics Tuebingen Variant Classification Criteria Version 2. Collection method: clinical testing. Allele origin: germline. Affected: yes. Observed: 1 variant allele.
Comment: C18orf54: BP4, BP7

NM_001288980.2(C18orf54):c.975T>C (p.Asp325=)

Gene: C18orf54 (chromosome 18 open reading frame 54; plus strand). Cytogenetic location: 18q21.2.
Variant type: single nucleotide variant.
Coding change: c.975T>C on transcript NM_001288980.2 (MANE Select); coding-DNA position 975, T replaced by C.
Protein change: p.Asp325=; no amino-acid change (aspartic acid 325 retained).
Molecular consequence: synonymous variant. On other transcripts: intron variant (2).
Genome position (GRCh38, 1-based): chr18:54,362,334, T>C. VCF-style: chr18-54362334-T-C. GRCh37 (hg19) VCF-style: chr18-51888704-T-C.
Other names: c.975T>C, p.Asp325= (NM_001288981.2, NM_001370309.1); c.589+386T>C (NM_173529.6); c.533-437T>C (NM_001288982.2).
Identifiers: ClinVar variation 2648732 (VCV002648732.24), dbSNP rs142068230, ClinGen allele CA8969112.